The following is an entry in ClinVar:

ClinVar aggregate classification (germline): Uncertain significance (1 of 4 stars; one submission).

Conditions:
Hyperaldosteronism, familial, type IV (HALD4). Also called: FH IV; ALDOSTERONISM, PRIMARY, AND HYPERTENSION. Identifiers: Orphanet 642671, MedGen C4310756, MONDO:0014875, OMIM 617027.
Idiopathic generalized epilepsy. Also called: EIG; Generalised epilepsy. Identifiers: MedGen C0270850, MONDO:0005579, OMIM 600669.

Allele frequency attached by ClinVar (database versions not stated): TOPMed below 0.00001.
gnomAD v4.1: 1 of 1,602,648 alleles (0.000062%); highest among the groups gnomAD compares: African/African-American, 0.0013%; no homozygotes.

Submission:

Labcorp Genetics (formerly Invitae), Labcorp
Classification: Uncertain significance for Idiopathic generalized epilepsy; Hyperaldosteronism, familial, type IV. Last evaluated: 2022-11-14. Review status: criteria provided, single submitter. Criteria: Invitae Variant Classification Sherloc (09022015). Collection method: clinical testing. Allele origin: germline.
Comment: In summary, the available evidence is currently insufficient to determine the role of this variant in disease. Therefore, it has been classified as a Variant of Uncertain Significance. Advanced modeling of protein sequence and biophysical properties (such as structural, functional, and spatial information, amino acid conservation, physicochemical variation, residue mobility, and thermodynamic stability) performed at Invitae indicates that this missense variant is not expected to disrupt CACNA1H protein function. This missense change has been observed in individual(s) with epilepsy (PMID: 21703448). This variant is not present in population databases (gnomAD no frequency). This sequence change replaces threonine, which is neutral and polar, with isoleucine, which is neutral and non-polar, at codon 947 of the CACNA1H protein (p.Thr947Ile).

Literature cited by the submitters: PubMed 21703448.

NM_021098.3(CACNA1H):c.2840C>T (p.Thr947Ile)

Gene: CACNA1H (calcium voltage-gated channel subunit alpha1 H; plus strand). Cytogenetic location: 16p13.3.
Variant type: single nucleotide variant.
Coding change: c.2840C>T on transcript NM_021098.3 (MANE Select); coding-DNA position 2840, C replaced by T.
Protein change: p.Thr947Ile; replaces threonine 947 with isoleucine.
Molecular consequence: missense variant.
Genome position (GRCh38, 1-based): chr16:1,207,051, C>T. VCF-style: chr16-1207051-C-T. GRCh37 (hg19) VCF-style: chr16-1257051-C-T.
Other names: c.2840C>T, p.Thr947Ile (NM_001005407.2); short protein forms T947I.
Identifiers: ClinVar variation 2938616 (VCV002938616.3), dbSNP rs1968815481, ClinGen allele CA394170074.